The following is an entry in ClinVar:

NC_000019.10:g.55999787C>T

Gene: NLRP5 (NLR family pyrin domain containing 5; plus strand). Cytogenetic location: 19q13.43.
Variant type: single nucleotide variant.
Genome position: GRCh38 VCF-style: chr19-55999787-C-T. GRCh37 (hg19) VCF-style: chr19-56511153-C-T.
Identifiers: ClinVar variation 2650549 (VCV002650549.24), dbSNP rs374536648, ClinGen allele CA310261031.

ClinVar aggregate classification (germline): Uncertain significance (1 of 4 stars; one submission).

Allele frequency attached by ClinVar (database versions not stated): gnomAD 0.00001; gnomAD exomes 0.00002; ESP Exome Variant Server 0.00008; TOPMed 0.00002.
gnomAD v4.1: 25 of 1,611,958 alleles (0.0016%); highest among the groups gnomAD compares: Non-Finnish European, 0.002%; no homozygotes.

Submission:

CeGaT Center for Human Genetics Tuebingen
Classification: Uncertain significance. Last evaluated: 2023-02-01. Review status: criteria provided, single submitter. Criteria: CeGaT Center For Human Genetics Tuebingen Variant Classification Criteria Version 2. Collection method: clinical testing. Allele origin: germline. Affected: yes. Observed: 1 variant allele.
Comment: NLRP5: PM2, BP4